The following is an entry in ClinVar:

NM_001082486.2(ACD):c.73A>G (p.Ser25Gly)

Gene: ACD (ACD shelterin complex subunit and telomerase recruitment factor; minus strand). Cytogenetic location: 16q22.1.
Variant type: single nucleotide variant.
Coding change: c.73A>G on transcript NM_001082486.2 (MANE Select); coding-DNA position 73, A replaced by G.
Protein change: p.Ser25Gly; replaces serine 25 with glycine.
Molecular consequence: missense variant.
Genome position (GRCh38, 1-based): chr16:67,660,148, T>C on the plus strand (A>G on the coding strand, the complement: ACD is on the minus strand). VCF-style: chr16-67660148-T-C. GRCh37 (hg19) VCF-style: chr16-67694051-T-C.
Other names: c.73A>G, p.Ser25Gly (NM_001410884.1, NM_022914.3); short protein forms S25G.
Identifiers: ClinVar variation 3261545 (VCV003261545.1).
Genomic context (GRCh38, chr16:67,660,148, plus strand): 5'-CGCCTCGGTCTCCGGGCCCTGAATGGGGGCTCACCTCAAGCAGCTGCCCGGCTCGTGGAC[T>C]GGAGGGTGTCTCTGACCCCAGAATCAGCTCCCGAATCCAGGGCCGTAGGACCAGCCTCCC-3'
Protein context (NP_001075955.2, residues 15-35): ELILGSETPS[Ser25Gly]PRAGQLLEVL

ClinVar aggregate classification (germline): Uncertain significance (1 of 4 stars; one submission).

Conditions:
Inborn genetic diseases. Identifiers: MedGen C0950123, MeSH D030342.

Submission:

Ambry Genetics
Classification: Uncertain significance for Inborn genetic diseases. Last evaluated: 2024-06-01. Review status: criteria provided, single submitter. Criteria: Ambry Variant Classification Scheme 2023. Collection method: clinical testing. Allele origin: germline.
Comment: The p.S111G variant (also known as c.331A>G), located in coding exon 1 of the ACD gene, results from an A to G substitution at nucleotide position 331. The serine at codon 111 is replaced by glycine, an amino acid with similar properties. This amino acid position is conserved. In addition, this alteration is predicted to be tolerated by in silico analysis. Based on the available evidence, the clinical significance of this variant remains unclear.